The following is an entry in ClinVar:

ClinVar aggregate classification (germline): Uncertain significance (1 of 4 stars; one submission).

Allele frequency attached by ClinVar (database versions not stated): gnomAD exomes below 0.00001; TOPMed 0.00004; ESP Exome Variant Server 0.00008; gnomAD 0.00008 and 0.00009.
gnomAD v4.1: 17 of 1,613,638 alleles (0.0011%); highest among the groups gnomAD compares: African/African-American, 0.023%; no homozygotes.

Submission:

Labcorp Genetics (formerly Invitae), Labcorp
Classification: Uncertain significance. Last evaluated: 2022-12-06. Review status: criteria provided, single submitter. Criteria: Invitae Variant Classification Sherloc (09022015). Collection method: clinical testing. Allele origin: germline.
Comment: This sequence change replaces aspartic acid, which is acidic and polar, with tyrosine, which is neutral and polar, at codon 2165 of the LAMA1 protein (p.Asp2165Tyr). This variant is present in population databases (rs370881774, gnomAD 0.01%). This variant has not been reported in the literature in individuals affected with LAMA1-related conditions. ClinVar contains an entry for this variant (Variation ID: 1508605). Advanced modeling of protein sequence and biophysical properties (such as structural, functional, and spatial information, amino acid conservation, physicochemical variation, residue mobility, and thermodynamic stability) performed at Invitae indicates that this missense variant is expected to disrupt LAMA1 protein function. In summary, the available evidence is currently insufficient to determine the role of this variant in disease. Therefore, it has been classified as a Variant of Uncertain Significance.

NM_005559.4(LAMA1):c.6493G>T (p.Asp2165Tyr)

Gene: LAMA1 (laminin subunit alpha 1; minus strand). Cytogenetic location: 18p11.31.
Variant type: single nucleotide variant.
Coding change: c.6493G>T on transcript NM_005559.4 (MANE Select); coding-DNA position 6493, G replaced by T.
Protein change: p.Asp2165Tyr; replaces aspartic acid 2165 with tyrosine.
Molecular consequence: missense variant.
Genome position (GRCh38, 1-based): chr18:6,975,033, C>A on the plus strand (G>T on the coding strand, the complement: LAMA1 is on the minus strand). VCF-style: chr18-6975033-C-A. GRCh37 (hg19) VCF-style: chr18-6975032-C-A.
Other names: short protein forms D2165Y.
Identifiers: ClinVar variation 1508605 (VCV001508605.7), dbSNP rs370881774, ClinGen allele CA295755237.
Genomic context (GRCh38, chr18:6,975,033, plus strand): 5'-CGGAGCCCAGGTCCCACAGGAAGGCCACTCTCCCTCGCCGCATCTCCACTGCAAGGAAAT[C>A]AGACTGGGGGGCGAGGAATGAACGGGGATCAGTTTACACACTGGACTGTTTGCTGACCAC-3'
Protein context (NP_005550.2, residues 2155-2175): LFYLGSSTAS[Asp2165Tyr]FLAVEMRRGR